The following is an entry in ClinVar:

NM_024408.4(NOTCH2):c.751+289G>C

Gene: NOTCH2 (notch receptor 2; minus strand). Cytogenetic location: 1p12.
Variant type: single nucleotide variant.
Coding change: c.751+289G>C on transcript NM_024408.4 (MANE Select); 289 bases into the intron after coding-DNA position 751, G replaced by C.
Molecular consequence: intron variant.
Genome position (GRCh38, 1-based): chr1:119,996,708, C>G on the plus strand (G>C on the coding strand, the complement: NOTCH2 is on the minus strand). VCF-style: chr1-119996708-C-G. GRCh37 (hg19) VCF-style: chr1-120539331-C-G.
Other names: c.751+289G>C (NM_001200001.2).
Identifiers: ClinVar variation 2639048 (VCV002639048.24), dbSNP rs2124109, ClinGen allele CA1040721.

ClinVar aggregate classification (germline): Likely benign (1 of 4 stars; one submission).

Allele frequency attached by ClinVar (database versions not stated): 1000 Genomes Project 30x 0.00031; gnomAD exomes 0.00082; gnomAD 0.00130.
gnomAD v4.1: 1,072 of 1,201,760 alleles (0.089%); highest among the groups gnomAD compares: Non-Finnish European, 0.1%; 2 homozygotes.

Submission:

CeGaT Center for Human Genetics Tuebingen
Classification: Likely benign. Last evaluated: 2025-11-01. Review status: criteria provided, single submitter. Criteria: CeGaT Center For Human Genetics Tuebingen Variant Classification Criteria Version 2. Collection method: clinical testing. Allele origin: germline. Affected: yes. Observed: 10 variant alleles.
Comment: NOTCH2: BS1